The following is an entry in ClinVar:

ClinVar aggregate classification (germline): Uncertain significance (1 of 4 stars; one submission).

Conditions:
CREBBP-related disorder. Also called: CREBBP-related condition; CREBBP-related disorders.

gnomAD v4.1: 2 of 1,614,130 alleles (0.00012%); highest among the groups gnomAD compares: Non-Finnish European, 0.00017%; no homozygotes.

Submission:

PreventionGenetics, part of Exact Sciences
Classification: Uncertain significance for CREBBP-related condition. Last evaluated: 2025-04-24. Review status: criteria provided, single submitter. Criteria: ACMG Guidelines, 2015. Collection method: clinical testing. Allele origin: germline.
Comment: The CREBBP c.2176C>T variant is predicted to result in the amino acid substitution p.Pro726Ser. To our knowledge, this variant has not been reported in the literature or in a large population database (gnomAD), indicating this variant is rare. At this time, the clinical significance of this variant is uncertain due to the absence of conclusive functional and genetic evidence.

NM_004380.3(CREBBP):c.2176C>T (p.Pro726Ser)

Gene: CREBBP (CREB binding lysine acetyltransferase; minus strand). Cytogenetic location: 16p13.3.
Variant type: single nucleotide variant.
Coding change: c.2176C>T on transcript NM_004380.3 (MANE Select); coding-DNA position 2176, C replaced by T.
Protein change: p.Pro726Ser; replaces proline 726 with serine.
Molecular consequence: missense variant.
Genome position (GRCh38, 1-based): chr16:3,774,676, G>A on the plus strand (C>T on the coding strand, the complement: CREBBP is on the minus strand). VCF-style: chr16-3774676-G-A. GRCh37 (hg19) VCF-style: chr16-3824677-G-A.
Other names: c.2062C>T, p.Pro688Ser (NM_001079846.1); short protein forms P688S, P726S.
Identifiers: ClinVar variation 4999459 (VCV004999459.1).